The following is an entry in ClinVar:

NM_001374828.1(ARID1B):c.6189G>A (p.Ser2063=)

Gene: ARID1B (AT-rich interaction domain 1B; plus strand). Cytogenetic location: 6q25.3.
Variant type: single nucleotide variant.
Coding change: c.6189G>A on transcript NM_001374828.1 (MANE Select); coding-DNA position 6189, G replaced by A.
Protein change: p.Ser2063=; no amino-acid change (serine 2063 retained).
Molecular consequence: synonymous variant.
Genome position (GRCh38, 1-based): chr6:157,206,961, G>A. VCF-style: chr6-157206961-G-A. GRCh37 (hg19) VCF-style: chr6-157528095-G-A.
Other names: c.5940G>A, p.Ser1980= (NM_001346813.1); c.3690G>A, p.Ser1230= (NM_001363725.2); c.6069G>A, p.Ser2023= (NM_001371656.1, NM_001374820.1); c.6030G>A, p.Ser2010= (NM_017519.3); c.5820G>A, p.Ser1940= (NM_020732.3); c.5607G>A, p.Ser1869= (NM_175863.2).
Identifiers: ClinVar variation 2049594 (VCV002049594.18), dbSNP rs145972566, ClinGen allele CA4067970.
Genomic context (GRCh38, chr6:157,206,961, plus strand): 5'-GGACGAGCCCAGGAGCCGAGACGAGACTCCTCTGTGTACCATCGCGCACTGGCAGGACTC[G>A]CTGGCTAAGCGATGCATCTGTGTGTCCAATATTGTCCGTAGCTTGTCATTCGTGCCTGGC-3'
Protein context (NP_001361757.1, residues 2053-2073): PLCTIAHWQD[Ser2063=]LAKRCICVSN

ClinVar aggregate classification (germline): Likely benign. Review status: criteria provided, multiple submitters, no conflicts (2 of 4 stars). 2 submissions from 2 submitters: Likely benign (2). Last evaluated 2025-02-15.

Allele frequency attached by ClinVar (database versions not stated): ESP Exome Variant Server 0.00015.
gnomAD v4.1: 158 of 1,614,090 alleles (0.0098%); highest among the groups gnomAD compares: Admixed American, 0.017%; no homozygotes.

Submissions (2):

Labcorp Genetics (formerly Invitae), Labcorp
Classification: Likely benign. Last evaluated: 2025-02-15. Review status: criteria provided, single submitter. Criteria: Invitae Variant Classification Sherloc (09022015). Collection method: clinical testing. Allele origin: germline.

CeGaT Center for Human Genetics Tuebingen
Classification: Likely benign. Last evaluated: 2024-10-01. Review status: criteria provided, single submitter. Criteria: CeGaT Center For Human Genetics Tuebingen Variant Classification Criteria Version 2. Collection method: clinical testing. Allele origin: germline. Affected: yes. Observed: 1 variant allele.
Comment: ARID1B: BP4, BP7